The following is an entry in ClinVar:

NM_152730.6(TBC1D32):c.2586T>A (p.Asp862Glu)

Gene: TBC1D32 (TBC1 domain family member 32; minus strand). Cytogenetic location: 6q22.31.
Variant type: single nucleotide variant.
Coding change: c.2586T>A on transcript NM_152730.6 (MANE Select); coding-DNA position 2586, T replaced by A.
Protein change: p.Asp862Glu; replaces aspartic acid 862 with glutamic acid.
Molecular consequence: missense variant. On other transcripts: non-coding transcript variant (1).
Genome position (GRCh38, 1-based): chr6:121,161,041, A>T on the plus strand (T>A on the coding strand, the complement: TBC1D32 is on the minus strand). VCF-style: chr6-121161041-A-T. GRCh37 (hg19) VCF-style: chr6-121482187-A-T.
Other names: c.2709T>A, p.Asp903Glu (NM_001367759.1, NM_001367760.1); short protein forms D903E, D862E.
Identifiers: ClinVar variation 2359489 (VCV002359489.4), dbSNP rs775944843, ClinGen allele CA3980718.
Genomic context (GRCh38, chr6:121,161,041, plus strand): 5'-CAATGGCCCACCAACAAGATTTATTCTAACAAGAACATGATTTCTCTCCACTGATAAGCC[A>T]TCAATTATAAAGTCCCTGAAAAAATAAATATATCACCTTTGTCATCCTTTTGATTGAATA-3'
Protein context (NP_689943.4, residues 852-872): HIFGLRDFII[Asp862Glu]GLSVERNHVL

ClinVar aggregate classification (germline): Uncertain significance. Review status: criteria provided, multiple submitters, no conflicts (2 of 4 stars). 2 submissions from 2 submitters: Uncertain significance (2). Last evaluated 2023-10-16.

Conditions:
Inborn genetic diseases. Identifiers: MedGen C0950123, MeSH D030342.

Allele frequency attached by ClinVar (database versions not stated): ExAC 0.00001; gnomAD 0.00001; gnomAD exomes 0.00001; TOPMed 0.00002.
gnomAD v4.1: 8 of 1,611,964 alleles (0.0005%); highest among the groups gnomAD compares: Admixed American, 0.013%; no homozygotes.

Submissions (2):

Labcorp Genetics (formerly Invitae), Labcorp
Classification: Uncertain significance. Last evaluated: 2023-10-16. Review status: criteria provided, single submitter. Criteria: Invitae Variant Classification Sherloc (09022015). Collection method: clinical testing. Allele origin: germline.
Comment: This sequence change replaces aspartic acid, which is acidic and polar, with glutamic acid, which is acidic and polar, at codon 862 of the TBC1D32 protein (p.Asp862Glu). This variant is present in population databases (rs775944843, gnomAD 0.02%). This variant has not been reported in the literature in individuals affected with TBC1D32-related conditions. ClinVar contains an entry for this variant (Variation ID: 2359489). An algorithm developed to predict the effect of missense changes on protein structure and function (PolyPhen-2) suggests that this variant is likely to be disruptive. In summary, the available evidence is currently insufficient to determine the role of this variant in disease. Therefore, it has been classified as a Variant of Uncertain Significance.

Ambry Genetics
Classification: Uncertain significance for Inborn genetic diseases. Last evaluated: 2021-07-26. Review status: criteria provided, single submitter. Criteria: Ambry Variant Classification Scheme 2023. Collection method: clinical testing. Allele origin: germline.